The following is an entry in ClinVar:

ClinVar aggregate classification (germline): Likely benign. Review status: criteria provided, multiple submitters, no conflicts (2 of 4 stars). 3 submissions from 3 submitters: Likely benign (2). 1 of the submissions does not count toward it. Last evaluated 2025-11-06.

Conditions:
PIGQ-related disorder. Also called: PIGQ-related condition.
Epilepsy. Also called: Seizure disorder. Identifiers: MedGen C0014544, MeSH D004827, MONDO:0005027.

Allele frequency attached by ClinVar (database versions not stated): TOPMed 0.00006; ExAC 0.00007; gnomAD 0.00007 and 0.00008; gnomAD exomes 0.00009 and 0.00011; ESP Exome Variant Server 0.00023.

Submissions (3):

Labcorp Genetics (formerly Invitae), Labcorp
Classification: Likely benign for Epilepsy. Last evaluated: 2025-11-06. Review status: criteria provided, single submitter. Criteria: Invitae Variant Classification Sherloc (09022015). Collection method: clinical testing. Allele origin: germline.

Blueprint Genetics
Classification: Likely benign. Last evaluated: 2020-03-18. Review status: criteria provided, single submitter. Criteria: ACMG Guidelines, 2015. Collection method: clinical testing. Allele origin: germline.

PreventionGenetics, part of Exact Sciences
Classification: Likely benign for PIGQ-related condition. Last evaluated: 2019-06-18. Review status: no assertion criteria provided. Collection method: clinical testing. Allele origin: germline. Not counted in ClinVar's aggregate classification.
Comment: This variant is classified as likely benign based on ACMG/AMP sequence variant interpretation guidelines (Richards et al. 2015 PMID: 25741868, with internal and published modifications).

NM_004204.5(PIGQ):c.993C>T (p.Pro331=)

Gene: PIGQ (phosphatidylinositol glycan anchor biosynthesis class Q; plus strand). Cytogenetic location: 16p13.3.
Variant type: single nucleotide variant.
Coding change: c.993C>T on transcript NM_004204.5 (MANE Select); coding-DNA position 993, C replaced by T.
Protein change: p.Pro331=; no amino-acid change (proline 331 retained).
Molecular consequence: synonymous variant.
Genome position (GRCh38, 1-based): chr16:578,429, C>T. VCF-style: chr16-578429-C-T. GRCh37 (hg19) VCF-style: chr16-628429-C-T.
Other names: c.993C>T, p.Pro331= (NM_148920.4); c.993C>T (NM_004204.3).
Identifiers: ClinVar variation 1154611 (VCV001154611.12), dbSNP rs142362312, ClinGen allele CA7780071.